The following is an entry in ClinVar:

ClinVar aggregate classification (germline): Likely benign. Review status: criteria provided, single submitter (1 of 4 stars). 2 submissions from 2 submitters: Likely benign (1). 1 of the submissions does not count toward it. Last evaluated 2023-09-01.

Conditions:
PKD1-related disorder. Also called: PKD1-related condition.

Allele frequency attached by ClinVar (database versions not stated): ExAC 0.00001; gnomAD 0.00001; TOPMed 0.00001; gnomAD exomes 0.00002.
gnomAD v4.1: 26 of 1,604,524 alleles (0.0016%); highest among the groups gnomAD compares: Middle Eastern, 0.045%; no homozygotes.

Submissions (2):

CeGaT Center for Human Genetics Tuebingen
Classification: Likely benign. Last evaluated: 2023-09-01. Review status: criteria provided, single submitter. Criteria: CeGaT Center For Human Genetics Tuebingen Variant Classification Criteria Version 2. Collection method: clinical testing. Allele origin: germline. Affected: yes. Observed: 1 variant allele.
Comment: PKD1: BP4, BP7

PreventionGenetics, part of Exact Sciences
Classification: Likely benign for PKD1-related condition. Last evaluated: 2019-05-23. Review status: no assertion criteria provided. Collection method: clinical testing. Allele origin: germline. Not counted in ClinVar's aggregate classification.
Comment: This variant is classified as likely benign based on ACMG/AMP sequence variant interpretation guidelines (Richards et al. 2015 PMID: 25741868, with internal and published modifications).

NM_001009944.3(PKD1):c.10122C>T (p.Ser3374=)

Gene: PKD1 (polycystin 1, transient receptor potential channel interacting; minus strand). Cytogenetic location: 16p13.3.
Variant type: single nucleotide variant.
Coding change: c.10122C>T on transcript NM_001009944.3 (MANE Select); coding-DNA position 10122, C replaced by T.
Protein change: p.Ser3374=; no amino-acid change (serine 3374 retained).
Molecular consequence: synonymous variant.
Genome position (GRCh38, 1-based): chr16:2,097,913, G>A on the plus strand (C>T on the coding strand, the complement: PKD1 is on the minus strand). VCF-style: chr16-2097913-G-A. GRCh37 (hg19) VCF-style: chr16-2147914-G-A.
Other names: c.10122C>T, p.Ser3374= (NM_000296.4).
Identifiers: ClinVar variation 2645990 (VCV002645990.25), dbSNP rs755538285, ClinGen allele CA7829798.